The following is an entry in ClinVar:

ClinVar aggregate classification (germline): Likely pathogenic. Review status: criteria provided, multiple submitters, no conflicts (2 of 4 stars). 2 submissions from 2 submitters: Likely pathogenic (2). Last evaluated 2021-05-03.

Conditions:
Leukodystrophy, hypomyelinating, 2. Also called: PELIZAEUS-MERZBACHER-LIKE DISEASE, 1. Identifiers: Orphanet 280270, Orphanet 280282, MedGen C1837355, MONDO:0012125, OMIM 608804.

Submissions (2):

Molecular Diagnostics Lab, Nemours Children's Health, Delaware
Classification: Likely pathogenic for Leukodystrophy, hypomyelinating, 2. Last evaluated: 2021-05-03. Review status: criteria provided, single submitter. Criteria: ACMG Guidelines, 2015. Collection method: clinical testing. Allele origin: maternal, unknown. Inheritance: Autosomal recessive inheritance. Affected: yes and no. Observed: 1 heterozygote, 3 homozygotes.
Comment: This variant (c.371_392dup, p.His132Profs*12) predicts a framshift to a premature termination. It has not been observed in population databases (gnomAD), although it has been reported in the literature (PMID 16707726). It was found as a homozygous change in an affected individual.

Pathology and Clinical Laboratory Medicine, King Fahad Medical City
Classification: Likely pathogenic for Leukodystrophy, hypomyelinating, 2. Review status: criteria provided, single submitter. Criteria: ACMG Guidelines, 2015. Collection method: clinical testing. Allele origin: germline. Affected: yes. Observed: 3 variant alleles.

Literature cited by the submitters: PubMed 16707726 (cited by Molecular Diagnostics Lab, Nemours Children's Health, Delaware).

NM_020435.4(GJC2):c.371_392dup (p.His132fs)

Gene: GJC2 (gap junction protein gamma 2; plus strand). Cytogenetic location: 1q42.13.
Variant type: Duplication.
Coding change: c.371_392dup on transcript NM_020435.4 (MANE Select); coding-DNA positions 371 to 392, 22 bases duplicated (CCCGAGCGCACCTGCCGCCCCC).
Protein change: p.His132fs; shifts the reading frame from histidine 132.
Molecular consequence: frameshift variant.
Genome position (GRCh38, 1-based): chr1:228,158,129-228,158,150, CCCGAGCGCACCTGCCGCCCCC duplicated; duplicating any 22 consecutive bases within chr1:228,158,128-228,158,150 gives the same sequence; the c. name uses the placement nearest the transcript's 3' end. VCF-style (leftmost placement, unchanged base first): chr1-228158127-G-GCCCCGAGCGCACCTGCCGCCCC. GRCh37 (hg19) VCF-style: chr1-228345828-G-GCCCCGAGCGCACCTGCCGCCCC.
Other names: c.371_392dup (NM_020435.3); c.371_392dup22 (NM_020435.3); short protein forms H132fs.
Identifiers: ClinVar variation 1339504 (VCV001339504.3), dbSNP rs2124966280, ClinGen allele CA2573051505.
Genomic context (GRCh38, chr1:228,158,127, plus strand): 5'-CCGTGCGTCTGAGCAGGAGCGGCGCCGCGCCCTCCGCCGCCGCCCGGGGCCACGCCGCGC[G>GCCCCGAGCGCACCTGCCGCCCC]CCCCGAGCGCACCTGCCGCCCCCGCACGCCGGCTGGCCTGAGCCCGCCGACCTGGGCGAG-3'